The following is an entry in ClinVar:

ClinVar aggregate classification (germline): Uncertain significance (1 of 4 stars; one submission).

Conditions:
Alstrom syndrome (ALMS). Identifiers: Orphanet 64, MedGen C0268425, MONDO:0008763, OMIM 203800.

Allele frequency attached by ClinVar (database versions not stated): gnomAD exomes below 0.00001.
gnomAD v4.1: 1 of 1,614,178 alleles (0.000062%); highest among the groups gnomAD compares: Non-Finnish European, 0.000085%; no homozygotes.

Submission:

Baylor Genetics
Classification: Uncertain significance for Alstrom syndrome. Last evaluated: 2019-11-06. Review status: criteria provided, single submitter. Criteria: ACMG Guidelines, 2015. Collection method: clinical testing. Allele origin: unknown. Affected: yes.
Comment: This variant was determined to be of uncertain significance according to ACMG Guidelines, 2015 [PMID:25741868].

NM_001378454.1(ALMS1):c.12247G>C (p.Asp4083His)

Genes: ALMS1 (ALMS1 centrosome and basal body associated protein; plus strand), LOC126806252 (BRD4-independent group 4 enhancer GRCh37_chr2:73828496-73829695; plus strand). Cytogenetic location: 2p13.1.
Variant type: single nucleotide variant.
Coding change: c.12247G>C on transcript NM_001378454.1 (MANE Select); coding-DNA position 12247, G replaced by C.
Protein change: p.Asp4083His; replaces aspartic acid 4083 with histidine.
Molecular consequence: missense variant.
Genome position (GRCh38, 1-based): chr2:73,602,317, G>C. VCF-style: chr2-73602317-G-C. GRCh37 (hg19) VCF-style: chr2-73829444-G-C.
Other names: c.12250G>C, p.Asp4084His (NM_015120.4); short protein forms D4083H, D4084H.
Identifiers: ClinVar variation 1030464 (VCV001030464.1), dbSNP rs1675713916, ClinGen allele CA347268428.
Genomic context (GRCh38, chr2:73,602,317, plus strand): 5'-GTCCAGGAGAGGAAGCTGCAGAGCATGTTACAGACCGAGCGGGATGCACTATTCAACATT[G>C]ACAGGGAACGGCAGGGCCACCAGAATCGCATGTGCCCGCTGCCCAAGAGAGGTACGCCCT-3'
Protein context (NP_001365383.1, residues 4073-4093): QTERDALFNI[Asp4083His]RERQGHQNRM